The following is an entry in ClinVar:

ClinVar aggregate classification (germline): Uncertain significance (1 of 4 stars; one submission).

Conditions:
Brugada syndrome 8 (BRGDA8). Identifiers: Orphanet 130, MedGen C2751083, MONDO:0013148, OMIM 613123.

gnomAD v4.1: 1 of 1,608,470 alleles (0.000062%); no homozygotes.

Submission:

Labcorp Genetics (formerly Invitae), Labcorp
Classification: Uncertain significance for Brugada syndrome 8. Last evaluated: 2025-10-29. Review status: criteria provided, single submitter. Criteria: Invitae Variant Classification Sherloc (09022015). Collection method: clinical testing. Allele origin: germline.
Comment: This sequence change replaces serine, which is neutral and polar, with threonine, which is neutral and polar, at codon 880 of the HCN4 protein (p.Ser880Thr). This variant is not present in population databases (gnomAD no frequency). This variant has not been reported in the literature in individuals affected with HCN4-related conditions. ClinVar contains an entry for this variant (Variation ID: 3619505). Invitae Evidence Modeling of protein sequence and biophysical properties (such as structural, functional, and spatial information, amino acid conservation, physicochemical variation, residue mobility, and thermodynamic stability) indicates that this missense variant is not expected to disrupt HCN4 protein function with a negative predictive value of 95%. In summary, the available evidence is currently insufficient to determine the role of this variant in disease. Therefore, it has been classified as a Variant of Uncertain Significance.

NM_005477.3(HCN4):c.2638T>A (p.Ser880Thr)

Gene: HCN4 (hyperpolarization activated cyclic nucleotide gated potassium channel 4; minus strand). Cytogenetic location: 15q24.1.
Variant type: single nucleotide variant.
Coding change: c.2638T>A on transcript NM_005477.3 (MANE Select); coding-DNA position 2638, T replaced by A.
Protein change: p.Ser880Thr; replaces serine 880 with threonine.
Molecular consequence: missense variant.
Genome position (GRCh38, 1-based): chr15:73,323,455, A>T on the plus strand (T>A on the coding strand, the complement: HCN4 is on the minus strand). VCF-style: chr15-73323455-A-T. GRCh37 (hg19) VCF-style: chr15-73615796-A-T.
Other names: short protein forms S880T.
Identifiers: ClinVar variation 3619505 (VCV003619505.2).